The following is an entry in ClinVar:

ClinVar aggregate classification (germline): Uncertain significance (1 of 4 stars; one submission).

gnomAD v4.1: 1 of 1,211,604 alleles (0.000083%); no homozygotes.

Submission:

GeneDx
Classification: Uncertain significance. Last evaluated: 2025-08-09. Review status: criteria provided, single submitter. Criteria: GeneDx Variant Classification Process June 2021. Collection method: clinical testing. Allele origin: germline. Affected: yes.
Comment: Not observed at significant frequency in large population cohorts (gnomAD); In silico analysis supports that this missense variant has a deleterious effect on protein structure/function; Has not been previously published as pathogenic or benign to our knowledge

NM_001008537.3(NEXMIF):c.4070C>T (p.Pro1357Leu)

Gene: NEXMIF (neurite extension and migration factor; minus strand). Cytogenetic location: Xq13.3.
Variant type: single nucleotide variant.
Coding change: c.4070C>T on transcript NM_001008537.3 (MANE Select); coding-DNA position 4070, C replaced by T.
Protein change: p.Pro1357Leu; replaces proline 1357 with leucine.
Molecular consequence: missense variant.
Genome position (GRCh38, 1-based): chrX:74,740,487, G>A on the plus strand (C>T on the coding strand, the complement: NEXMIF is on the minus strand). VCF-style: chrX-74740487-G-A. GRCh37 (hg19) VCF-style: chrX-73960322-G-A.
Other names: short protein forms P1357L.
Identifiers: ClinVar variation 4756038 (VCV004756038.1).